The following is an entry in ClinVar:

ClinVar aggregate classification (germline): Uncertain significance (1 of 4 stars; one submission).

gnomAD v4.1: 10 of 1,211,076 alleles (0.00083%); highest among the groups gnomAD compares: Non-Finnish European, 0.0011%; no homozygotes.

Submission:

Labcorp Genetics (formerly Invitae), Labcorp
Classification: Uncertain significance. Last evaluated: 2025-10-13. Review status: criteria provided, single submitter. Criteria: Invitae Variant Classification Sherloc (09022015). Collection method: clinical testing. Allele origin: germline.
Comment: This sequence change replaces leucine, which is neutral and non-polar, with phenylalanine, which is neutral and non-polar, at codon 504 of the MID1 protein (p.Leu504Phe). This variant is present in population databases (rs370948485, gnomAD 0.001%). This variant has not been reported in the literature in individuals affected with MID1-related conditions. Invitae Evidence Modeling of protein sequence and biophysical properties (such as structural, functional, and spatial information, amino acid conservation, physicochemical variation, residue mobility, and thermodynamic stability) indicates that this missense variant is not expected to disrupt MID1 protein function with a negative predictive value of 80%. In summary, the available evidence is currently insufficient to determine the role of this variant in disease. Therefore, it has been classified as a Variant of Uncertain Significance.

NM_000381.4(MID1):c.1512G>C (p.Leu504Phe)

Gene: MID1 (midline 1; minus strand). Cytogenetic location: Xp22.2.
Variant type: single nucleotide variant.
Coding change: c.1512G>C on transcript NM_000381.4 (MANE Select); coding-DNA position 1512, G replaced by C.
Protein change: p.Leu504Phe; replaces leucine 504 with phenylalanine.
Molecular consequence: missense variant.
Genome position (GRCh38, 1-based): chrX:10,455,013, C>G on the plus strand (G>C on the coding strand, the complement: MID1 is on the minus strand). VCF-style: chrX-10455013-C-G. GRCh37 (hg19) VCF-style: chrX-10423053-C-G.
Other names: c.1512G>C, p.Leu504Phe (NM_001098624.2, NM_001193277.1, NM_001347733.2 and 1 more transcripts); c.1398G>C, p.Leu466Phe (NM_033289.2); short protein forms L466F, L504F.
Identifiers: ClinVar variation 4694100 (VCV004694100.1).